The following is an entry in ClinVar:

ClinVar aggregate classification (germline): Pathogenic/Likely pathogenic. Review status: criteria provided, multiple submitters, no conflicts (2 of 4 stars). 2 submissions from 2 submitters: Pathogenic (1); Likely pathogenic (1). Last evaluated 2023-08-28.

Conditions:
Werner syndrome (WRN). Identifiers: Orphanet 902, MedGen C0043119, MONDO:0010196, OMIM 277700.

Submissions (2):

Baylor Genetics
Classification: Likely pathogenic for Werner syndrome. Last evaluated: 2023-08-28. Review status: criteria provided, single submitter. Criteria: ACMG Guidelines, 2015. Collection method: clinical testing. Allele origin: unknown.

Labcorp Genetics (formerly Invitae), Labcorp
Classification: Pathogenic for Werner syndrome. Last evaluated: 2020-12-11. Review status: criteria provided, single submitter. Criteria: Invitae Variant Classification Sherloc (09022015). Collection method: clinical testing. Allele origin: germline.
Comment: For these reasons, this variant has been classified as Pathogenic. This variant has not been reported in the literature in individuals with WRN-related conditions. This variant is not present in population databases (ExAC no frequency). This sequence change creates a premature translational stop signal (p.Val338Phefs*15) in the WRN gene. It is expected to result in an absent or disrupted protein product. Loss-of-function variants in WRN are known to be pathogenic (PMID: 16673358).

Literature cited by the submitters: PubMed 16673358 (cited by Labcorp Genetics (formerly Invitae), Labcorp).

NM_000553.6(WRN):c.1012_1018del (p.Val338fs)

Gene: WRN (WRN RecQ like helicase; plus strand). Cytogenetic location: 8p12.
Variant type: Deletion.
Coding change: c.1012_1018del on transcript NM_000553.6 (MANE Select); coding-DNA positions 1012 to 1018, 7 bases deleted (GTTTTAA; older notation c.1012_1018delGTTTTAA).
Protein change: p.Val338fs; shifts the reading frame from valine 338.
Molecular consequence: frameshift variant.
Genome position (GRCh38, 1-based): chr8:31,081,039-31,081,045, GTTTTAA deleted; deleting any 7 consecutive bases within chr8:31,081,037-31,081,045 gives the same sequence; the c. name uses the placement nearest the transcript's 3' end. VCF-style (leftmost placement, unchanged base first): chr8-31081036-GAAGTTTT-G. GRCh37 (hg19) VCF-style: chr8-30938552-GAAGTTTT-G.
Other names: short protein forms V338fs.
Identifiers: ClinVar variation 1453198 (VCV001453198.7), dbSNP rs2130118911, ClinGen allele CA2573142704.